The following is an entry in ClinVar:

NM_000548.5(TSC2):c.4590G>A (p.Ser1530=)

Gene: TSC2 (TSC complex subunit 2; plus strand). Cytogenetic location: 16p13.3.
Variant type: single nucleotide variant.
Coding change: c.4590G>A on transcript NM_000548.5 (MANE Select); coding-DNA position 4590, G replaced by A.
Protein change: p.Ser1530=; no amino-acid change (serine 1530 retained).
Molecular consequence: synonymous variant.
Genome position (GRCh38, 1-based): chr16:2,085,250, G>A. VCF-style: chr16-2085250-G-A. GRCh37 (hg19) VCF-style: chr16-2135251-G-A.
Other names: c.4590G>A (NM_000548.4); c.4389G>A, p.Ser1463= (NM_001077183.3); c.4521G>A, p.Ser1507= (NM_001114382.3); c.4281G>A, p.Ser1427= (NM_001318827.2); c.4245G>A, p.Ser1415= (NM_001318829.2); c.3858G>A, p.Ser1286= (NM_001318831.2); c.4422G>A, p.Ser1474= (NM_001318832.2); c.4392G>A, p.Ser1464= (NM_001363528.2); and 2 more.
Identifiers: ClinVar variation 406096 (VCV000406096.24), dbSNP rs377377367, ClinGen allele CA051881.

ClinVar aggregate classification (germline): Conflicting classifications of pathogenicity. Review status: criteria provided, conflicting classifications (1 of 4 stars). 9 submissions from 9 submitters: Uncertain significance (1); Benign (2); Likely benign (6). Last evaluated 2026-03-31.

Conditions:
TSC2-related disorder. Also called: TSC2-related condition; TSC2-Related Disorders.
Hereditary cancer-predisposing syndrome. Also called: Neoplastic Syndromes, Hereditary; Tumor predisposition; Hereditary Cancer Syndrome; Hereditary neoplastic syndrome. Identifiers: Orphanet 140162, MedGen C0027672, MeSH D009386, MONDO:0015356.
Tuberous sclerosis syndrome (TSC). Also called: Tuberous Sclerosis Complex; Tuberous sclerosis. Identifiers: Orphanet 805, MedGen C0041341, MONDO:0001734.
Tuberous sclerosis 2 (TSC2). Identifiers: Orphanet 805, MedGen C1860707, MONDO:0013199, OMIM 613254.

Allele frequency attached by ClinVar (database versions not stated): ExAC 0.00001; gnomAD exomes 0.00001; gnomAD 0.00002; TOPMed 0.00003; ESP Exome Variant Server 0.00008.
gnomAD v4.1: 13 of 1,612,648 alleles (0.00081%); highest among the groups gnomAD compares: Non-Finnish European, 0.0011%; no homozygotes.

Submissions (9):

PreventionGenetics, part of Exact Sciences
Classification: Likely benign for TSC2-related condition. Last evaluated: 2026-03-31. Review status: criteria provided, single submitter. Criteria: ACMG Guidelines, 2015. Collection method: clinical testing. Allele origin: germline.
Comment: This variant is classified as likely benign based on ACMG/AMP sequence variant interpretation guidelines (Richards et al. 2015 PMID: 25741868, with internal and published modifications).

Labcorp Genetics (formerly Invitae), Labcorp
Classification: Benign for Tuberous sclerosis 2. Last evaluated: 2026-01-17. Review status: criteria provided, single submitter. Criteria: Invitae Variant Classification Sherloc (09022015). Collection method: clinical testing. Allele origin: germline.

Myriad Genetics, Inc.
Classification: Benign for Tuberous sclerosis 2. Last evaluated: 2025-06-04. Review status: criteria provided, single submitter. Criteria: Myriad Autosomal Dominant, Autosomal Recessive and X-Linked Classification Criteria (2023). Collection method: clinical testing. Allele origin: unknown.
Comment: This variant is considered benign. This variant is a silent/synonymous amino acid change and it is not expected to impact splicing.

Color Diagnostics, LLC DBA Color Health
Classification: Likely benign for Tuberous sclerosis syndrome. Last evaluated: 2024-05-21. Review status: criteria provided, single submitter. Criteria: ACMG Guidelines, 2015. Collection method: clinical testing. Allele origin: germline.

Genome-Nilou Lab
Classification: Likely benign for Tuberous sclerosis 2. Last evaluated: 2021-11-07. Review status: criteria provided, single submitter. Criteria: ACMG Guidelines, 2015. Collection method: clinical testing. Allele origin: germline. Affected: no.

Sema4
Classification: Likely benign for Hereditary cancer-predisposing syndrome. Last evaluated: 2020-10-09. Review status: criteria provided, single submitter. Criteria: Sema4 Curation Guidelines. Collection method: curation. Allele origin: germline.

GeneDx
Classification: Likely benign. Last evaluated: 2018-02-05. Review status: criteria provided, single submitter. Criteria: GeneDx Variant Classification (06012015). Collection method: clinical testing. Allele origin: germline. Affected: yes.
Comment: This variant is considered likely benign or benign based on one or more of the following criteria: it is a conservative change, it occurs at a poorly conserved position in the protein, it is predicted to be benign by multiple in silico algorithms, and/or has population frequency not consistent with disease.

Illumina Laboratory Services, Illumina
Classification: Uncertain significance for Tuberous sclerosis syndrome. Last evaluated: 2018-01-13. Review status: criteria provided, single submitter. Criteria: ICSL Variant Classification Criteria 13 December 2019. Collection method: clinical testing. Allele origin: germline.

Ambry Genetics
Classification: Likely benign for Hereditary cancer-predisposing syndrome. Last evaluated: 2015-01-21. Review status: criteria provided, single submitter. Criteria: Ambry Variant Classification Scheme 2023. Collection method: clinical testing. Allele origin: germline.